The following is an entry in ClinVar:

NM_000036.3(AMPD1):c.1163G>A (p.Arg388Gln)

Gene: AMPD1 (adenosine monophosphate deaminase 1; minus strand). Cytogenetic location: 1p13.2.
Variant type: single nucleotide variant.
Coding change: c.1163G>A on transcript NM_000036.3 (MANE Select); coding-DNA position 1163, G replaced by A.
Protein change: p.Arg388Gln; replaces arginine 388 with glutamine.
Molecular consequence: missense variant.
Genome position (GRCh38, 1-based): chr1:114,677,971, C>T on the plus strand (G>A on the coding strand, the complement: AMPD1 is on the minus strand). VCF-style: chr1-114677971-C-T. GRCh37 (hg19) VCF-style: chr1-115220592-C-T.
Other names: c.1151G>A, p.Arg384Gln (NM_001172626.2); c.1262G>A (NM_000036.2); short protein forms R388Q, R384Q.
Identifiers: ClinVar variation 2147397 (VCV002147397.6), dbSNP rs781528554, ClinGen allele CA1020202.

ClinVar aggregate classification (germline): Uncertain significance. Review status: criteria provided, multiple submitters, no conflicts (2 of 4 stars). 2 submissions from 2 submitters: Uncertain significance (2). Last evaluated 2025-07-28.

Conditions:
Muscle AMP deaminase deficiency (MMDD). Also called: Myoadenylate deaminase deficiency, myopathy due to; Adenosine monophosphate deaminase 1 deficiency; AMP deaminase 1 deficiency; Adenosine Monophosphate Deaminase 1; AMPD1 DEFICIENCY; ADENOSINE MONOPHOSPHATE DEAMINASE-1 DEFICIENCY, MYOPATHY DUE TO. Identifiers: Orphanet 45, MedGen C3714933, MONDO:0014220, OMIM 615511.

Allele frequency attached by ClinVar (database versions not stated): ExAC 0.00001; gnomAD 0.00001; TOPMed 0.00002; gnomAD exomes 0.00004.
gnomAD v4.1: 64 of 1,613,610 alleles (0.004%); highest among the groups gnomAD compares: Non-Finnish European, 0.0053%; no homozygotes.

Submissions (2):

Labcorp Genetics (formerly Invitae), Labcorp
Classification: Uncertain significance for Muscle AMP deaminase deficiency. Last evaluated: 2025-07-28. Review status: criteria provided, single submitter. Criteria: Invitae Variant Classification Sherloc (09022015). Collection method: clinical testing. Allele origin: germline.
Comment: This sequence change replaces arginine, which is basic and polar, with glutamine, which is neutral and polar, at codon 421 of the AMPD1 protein (p.Arg421Gln). This variant is present in population databases (rs781528554, gnomAD 0.007%). This variant has not been reported in the literature in individuals affected with AMPD1-related conditions. ClinVar contains an entry for this variant (Variation ID: 2147397). Invitae Evidence Modeling of protein sequence and biophysical properties (such as structural, functional, and spatial information, amino acid conservation, physicochemical variation, residue mobility, and thermodynamic stability) indicates that this missense variant is expected to disrupt AMPD1 protein function with a positive predictive value of 80%. In summary, the available evidence is currently insufficient to determine the role of this variant in disease. Therefore, it has been classified as a Variant of Uncertain Significance.

Revvity Omics, Revvity
Classification: Uncertain significance for Muscle AMP deaminase deficiency. Last evaluated: 2019-05-03. Review status: criteria provided, single submitter. Criteria: ACMG Guidelines, 2015. Collection method: clinical testing. Allele origin: germline.